The following is an entry in ClinVar:

NM_004994.3(MMP9):c.1835A>T (p.Gln612Leu)

Genes: MMP9 (matrix metallopeptidase 9; plus strand), SLC12A5-AS1 (SLC12A5 and MMP9 antisense RNA 1; minus strand). Cytogenetic location: 20q13.12.
Variant type: single nucleotide variant.
Coding change: c.1835A>T on transcript NM_004994.3 (MANE Select); coding-DNA position 1835, A replaced by T.
Protein change: p.Gln612Leu; replaces glutamine 612 with leucine.
Molecular consequence: missense variant. On other transcripts: non-coding transcript variant (1).
Genome position (GRCh38, 1-based): chr20:46,014,208, A>T. VCF-style: chr20-46014208-A-T. GRCh37 (hg19) VCF-style: chr20-44642847-A-T.
Other names: short protein forms Q612L.
Identifiers: ClinVar variation 2963389 (VCV002963389.3), dbSNP rs1217117967, ClinGen allele CA409224756.

ClinVar aggregate classification (germline): Uncertain significance (1 of 4 stars; one submission).

gnomAD v4.1: 4 of 1,531,556 alleles (0.00026%); highest among the groups gnomAD compares: Admixed American, 0.002%; no homozygotes.

Submission:

Labcorp Genetics (formerly Invitae), Labcorp
Classification: Uncertain significance. Last evaluated: 2023-07-07. Review status: criteria provided, single submitter. Criteria: Invitae Variant Classification Sherloc (09022015). Collection method: clinical testing. Allele origin: germline.
Comment: In summary, the available evidence is currently insufficient to determine the role of this variant in disease. Therefore, it has been classified as a Variant of Uncertain Significance. Advanced modeling of protein sequence and biophysical properties (such as structural, functional, and spatial information, amino acid conservation, physicochemical variation, residue mobility, and thermodynamic stability) performed at Invitae indicates that this missense variant is not expected to disrupt MMP9 protein function. This variant has not been reported in the literature in individuals affected with MMP9-related conditions. This variant is not present in population databases (gnomAD no frequency). This sequence change replaces glutamine, which is neutral and polar, with leucine, which is neutral and non-polar, at codon 612 of the MMP9 protein (p.Gln612Leu).